The following is an entry in ClinVar:

NM_018419.3(SOX18):c.419G>T (p.Arg140Leu)

Gene: SOX18 (SRY-box transcription factor 18; minus strand). Cytogenetic location: 20q13.33.
Variant type: single nucleotide variant.
Coding change: c.419G>T on transcript NM_018419.3 (MANE Select); coding-DNA position 419, G replaced by T.
Protein change: p.Arg140Leu; replaces arginine 140 with leucine.
Molecular consequence: missense variant.
Genome position (GRCh38, 1-based): chr20:64,048,902, C>A on the plus strand (G>T on the coding strand, the complement: SOX18 is on the minus strand). VCF-style: chr20-64048902-C-A. GRCh37 (hg19) VCF-style: chr20-62680255-C-A.
Other names: short protein forms R140L.
Identifiers: ClinVar variation 3799991 (VCV003799991.2).

ClinVar aggregate classification (germline): Uncertain significance. Review status: criteria provided, multiple submitters, no conflicts (2 of 4 stars). 2 submissions from 2 submitters: Uncertain significance (2). Last evaluated 2025-08-30.

Conditions:
Inborn genetic diseases. Identifiers: MedGen C0950123, MeSH D030342.

gnomAD v4.1: 4 of 1,596,446 alleles (0.00025%); highest among the groups gnomAD compares: African/African-American, 0.0014%; no homozygotes.

Submissions (2):

Labcorp Genetics (formerly Invitae), Labcorp
Classification: Uncertain significance. Last evaluated: 2025-08-30. Review status: criteria provided, single submitter. Criteria: Invitae Variant Classification Sherloc (09022015). Collection method: clinical testing. Allele origin: germline.
Comment: This sequence change replaces arginine, which is basic and polar, with leucine, which is neutral and non-polar, at codon 140 of the SOX18 protein (p.Arg140Leu). The frequency data for this variant in the population databases is considered unreliable, as metrics indicate poor data quality at this position in the gnomAD database. This variant has not been reported in the literature in individuals affected with SOX18-related conditions. ClinVar contains an entry for this variant (Variation ID: 3799991). Invitae Evidence Modeling of protein sequence and biophysical properties (such as structural, functional, and spatial information, amino acid conservation, physicochemical variation, residue mobility, and thermodynamic stability) indicates that this missense variant is expected to disrupt SOX18 protein function with a positive predictive value of 80%. In summary, the available evidence is currently insufficient to determine the role of this variant in disease. Therefore, it has been classified as a Variant of Uncertain Significance.

Ambry Genetics
Classification: Uncertain significance for Inborn genetic diseases. Last evaluated: 2025-02-12. Review status: criteria provided, single submitter. Criteria: Ambry Variant Classification Scheme 2023. Collection method: clinical testing. Allele origin: germline.